The following is an entry in ClinVar:

ClinVar aggregate classification (germline): Uncertain significance (1 of 4 stars; one submission).

Conditions:
Generalized epilepsy with febrile seizures plus, type 7 (GEFSP7). Also called: GEFS+, TYPE 7. Identifiers: Orphanet 36387, MedGen C2751778, MONDO:0013470, OMIM 613863.
Neuropathy, hereditary sensory and autonomic, type 2A (HSAN2A). Also called: WNK1-Related HSAN2 (HSAN2A); ACROOSTEOLYSIS, GIACCAI TYPE; ACROOSTEOLYSIS, NEUROGENIC; HSAN IIA; MORVAN DISEASE; NEUROPATHY, CONGENITAL SENSORY. Identifiers: Orphanet 970, MedGen C2752089, MONDO:0024309, OMIM 201300.

Allele frequency attached by ClinVar (database versions not stated): gnomAD exomes below 0.00001; ExAC 0.00001; gnomAD 0.00001; ESP Exome Variant Server 0.00008.
gnomAD v4.1: 5 of 1,604,652 alleles (0.00031%); highest among the groups gnomAD compares: Non-Finnish European, 0.00043%; no homozygotes.

Submission:

Labcorp Genetics (formerly Invitae), Labcorp
Classification: Uncertain significance for Neuropathy, hereditary sensory and autonomic, type 2A; Generalized epilepsy with febrile seizures plus, type 7. Last evaluated: 2025-05-12. Review status: criteria provided, single submitter. Criteria: Invitae Variant Classification Sherloc (09022015). Collection method: clinical testing. Allele origin: germline.
Comment: This sequence change replaces tyrosine, which is neutral and polar, with cysteine, which is neutral and slightly polar, at codon 1562 of the SCN9A protein (p.Tyr1562Cys). This variant is present in population databases (rs375732973, gnomAD 0.0009%). This missense change has been observed in individual(s) with clinical features of SCN9A-related conditions (PMID: 32707200). ClinVar contains an entry for this variant (Variation ID: 2081826). Invitae Evidence Modeling of protein sequence and biophysical properties (such as structural, functional, and spatial information, amino acid conservation, physicochemical variation, residue mobility, and thermodynamic stability) has been performed for this missense variant. However, the output from this modeling did not meet the statistical confidence thresholds required to predict the impact of this variant on SCN9A protein function. In summary, the available evidence is currently insufficient to determine the role of this variant in disease. Therefore, it has been classified as a Variant of Uncertain Significance.

Literature cited by the submitters: PubMed 32707200.

NM_001365536.1(SCN9A):c.4718A>G (p.Tyr1573Cys)

Genes: SCN9A (sodium voltage-gated channel alpha subunit 9; minus strand), SCN1A-AS1 (SCN1A and SCN9A antisense RNA 1; plus strand). Cytogenetic location: 2q24.3.
Variant type: single nucleotide variant.
Coding change: c.4718A>G on transcript NM_001365536.1 (MANE Select); coding-DNA position 4718, A replaced by G.
Protein change: p.Tyr1573Cys; replaces tyrosine 1573 with cysteine.
Molecular consequence: missense variant.
Genome position (GRCh38, 1-based): chr2:166,204,011, T>C on the plus strand (A>G on the coding strand, the complement: SCN9A is on the minus strand). VCF-style: chr2-166204011-T-C. GRCh37 (hg19) VCF-style: chr2-167060521-T-C.
Other names: c.4685A>G, p.Tyr1562Cys (NM_002977.4); short protein forms Y1562C, Y1573C.
Identifiers: ClinVar variation 2081826 (VCV002081826.4), dbSNP rs375732973, ClinGen allele CA1943799.